The following is an entry in ClinVar:

NM_002163.4(IRF8):c.359-100T>C

Gene: IRF8 (interferon regulatory factor 8; plus strand). Cytogenetic location: 16q24.1.
Variant type: single nucleotide variant.
Coding change: c.359-100T>C on transcript NM_002163.4 (MANE Select); 100 bases into the intron before coding-DNA position 359, T replaced by C.
Molecular consequence: intron variant.
Genome position (GRCh38, 1-based): chr16:85,911,470, T>C. VCF-style: chr16-85911470-T-C. GRCh37 (hg19) VCF-style: chr16-85945076-T-C.
Other names: c.389-100T>C (NM_001363907.1); c.-148-100T>C (NM_001363908.1).
Identifiers: ClinVar variation 2688501 (VCV002688501.2), dbSNP rs2292980, ClinGen allele CA14272302.
Genomic context (GRCh38, chr16:85,911,470, plus strand): 5'-GAAGCATGGGAAAAAAATTCTGTGCCTTTCCCAAACCAATGAAGACACTCACTAACTTAA[T>C]GTTTCCTTAAACTCAGCATTTACAGAGTAGATTATGGCTTCAGCAAAGGCTGTGATGCCT-3'

ClinVar aggregate classification (germline): Benign (1 of 4 stars; one submission).

Allele frequency attached by ClinVar (database versions not stated): gnomAD exomes 0.34508; 1000 Genomes Project 30x 0.38632; gnomAD 0.38779; 1000 Genomes Project 0.38978; TOPMed 0.39069.
gnomAD v4.1: 355,067 of 1,007,118 alleles (35%); highest among the groups gnomAD compares: African/African-American, 49%; 64,415 homozygotes.

Submission:

Unidad de Genómica Garrahan, Hospital de Pediatría Garrahan
Classification: Benign. Last evaluated: 2024-01-24. Review status: criteria provided, single submitter. Criteria: ACMG Guidelines, 2015. Collection method: clinical testing. Allele origin: germline. Affected: no. Observed: 19 variant alleles.
Comment: This variant is classified as Benign based on local population frequency. This variant was detected in 22% of patients studied by a panel of primary immunodeficiencies. Number of patients: 19. Only high quality variants are reported.